The following is an entry in ClinVar:

NM_000500.9(CYP21A2):c.1A>G (p.Met1Val)

Genes: CYP21A2 (cytochrome P450 family 21 subfamily A member 2; plus strand), LOC106780800 (CYP21A2 recombination region; plus strand), LOC110631417 (CYP21A2 5' regulatory region; plus strand). Cytogenetic location: 6p21.33.
Variant type: single nucleotide variant.
Coding change: c.1A>G on transcript NM_000500.9 (MANE Select); coding-DNA position 1, A replaced by G.
Protein change: p.Met1Val; changes the start codon (methionine 1).
Molecular consequence: missense variant, initiator codon variant. On other transcripts: 5 prime UTR variant (2).
Genome position (GRCh38, 1-based): chr6:32,038,423, A>G. VCF-style: chr6-32038423-A-G. GRCh37 (hg19) VCF-style: chr6-32006200-A-G.
Other names: c.1A>G, p.Met1Val (NM_001128590.4); c.-424A>G (NM_001368143.2); c.-334A>G (NM_001368144.2); short protein forms M1V.
Identifiers: ClinVar variation 1451630 (VCV001451630.6), dbSNP rs2151869976, ClinGen allele CA363498576.

ClinVar aggregate classification (germline): Pathogenic (1 of 4 stars; one submission).

Submission:

Labcorp Genetics (formerly Invitae), Labcorp
Classification: Pathogenic. Last evaluated: 2025-11-25. Review status: criteria provided, single submitter. Criteria: Invitae Variant Classification Sherloc (09022015). Collection method: clinical testing. Allele origin: germline.
Comment: This sequence change affects the initiator codon of the CYP21A2 mRNA. This change may impact translation initiation or efficiency. The next in-frame methionine is located at codon 82. The frequency data for this variant in the population databases (gnomAD) is considered unreliable due to the presence of homologous sequence, such as pseudogenes or paralogs, in the genome. Disruption of the initiator codon has been observed in individuals with classic salt-wasting, simple virilizing and non-classic congenital adrenal hyperplasia due to 21-hydroxylase deficiency (PMID: 14676460, 23142378, 25227725, 31006099). It has also been observed to segregate with disease in related individuals. ClinVar contains an entry for this variant (Variation ID: 1451630). For these reasons, this variant has been classified as Pathogenic.

Literature cited by the submitters: PubMed 14676460; PubMed 23142378; PubMed 25227725; PubMed 31006099.